The following is an entry in ClinVar:

NM_002880.4(RAF1):c.835-768T>G

Gene: RAF1 (Raf-1 proto-oncogene, serine/threonine kinase; minus strand). Cytogenetic location: 3p25.2.
Variant type: single nucleotide variant.
Coding change: c.835-768T>G on transcript NM_002880.4 (MANE Select); 768 bases into the intron before coding-DNA position 835, T replaced by G.
Molecular consequence: intron variant.
Genome position (GRCh38, 1-based): chr3:12,601,183, A>C on the plus strand (T>G on the coding strand, the complement: RAF1 is on the minus strand). VCF-style: chr3-12601183-A-C. GRCh37 (hg19) VCF-style: chr3-12642682-A-C.
Other names: c.493-768T>G (NM_001354695.3); c.592-768T>G (NM_001354692.3, NM_001354691.3); c.652-768T>G (NM_001354694.3); c.736-768T>G (NM_001354693.3); c.895-768T>G (NM_001354689.3); c.835-768T>G (NM_001354690.3).
Identifiers: ClinVar variation 2653544 (VCV002653544.24), dbSNP rs115477284, ClinGen allele CA69617596.

ClinVar aggregate classification (germline): Benign (1 of 4 stars; one submission).

Allele frequency attached by ClinVar (database versions not stated): 1000 Genomes Project 0.00319; gnomAD 0.00323; 1000 Genomes Project 30x 0.00344; TOPMed 0.00356.
gnomAD v4.1: 488 of 152,348 alleles (0.32%); highest among the groups gnomAD compares: African/African-American, 1.1%; 3 homozygotes.

Submission:

CeGaT Center for Human Genetics Tuebingen
Classification: Benign. Last evaluated: 2026-03-01. Review status: criteria provided, single submitter. Criteria: CeGaT Center For Human Genetics Tuebingen Variant Classification Criteria Version 2. Collection method: clinical testing. Allele origin: germline. Affected: yes. Observed: 2 variant alleles.
Comment: RAF1: BS1, BS2